The following is an entry in ClinVar:

ClinVar aggregate classification (germline): Uncertain significance (1 of 4 stars; one submission).

Allele frequency attached by ClinVar (database versions not stated): gnomAD 0.00001; gnomAD exomes 0.00002.
gnomAD v4.1: 29 of 1,613,246 alleles (0.0018%); highest among the groups gnomAD compares: Non-Finnish European, 0.002%; no homozygotes.

Submission:

Labcorp Genetics (formerly Invitae), Labcorp
Classification: Uncertain significance. Last evaluated: 2022-09-07. Review status: criteria provided, single submitter. Criteria: Invitae Variant Classification Sherloc (09022015). Collection method: clinical testing. Allele origin: germline.
Comment: In summary, the available evidence is currently insufficient to determine the role of this variant in disease. Therefore, it has been classified as a Variant of Uncertain Significance. Algorithms developed to predict the effect of missense changes on protein structure and function output the following: SIFT: "Tolerated"; PolyPhen-2: "Benign"; Align-GVGD: "Class C0". The valine amino acid residue is found in multiple mammalian species, which suggests that this missense change does not adversely affect protein function. This variant has not been reported in the literature in individuals affected with HDAC4-related conditions. This variant is present in population databases (no rsID available, gnomAD 0.007%). This sequence change replaces methionine, which is neutral and non-polar, with valine, which is neutral and non-polar, at codon 417 of the HDAC4 protein (p.Met417Val).

NM_001378414.1(HDAC4):c.1249A>G (p.Met417Val)

Gene: HDAC4 (histone deacetylase 4; minus strand). Cytogenetic location: 2q37.3.
Variant type: single nucleotide variant.
Coding change: c.1249A>G on transcript NM_001378414.1 (MANE Select); coding-DNA position 1249, A replaced by G.
Protein change: p.Met417Val; replaces methionine 417 with valine.
Molecular consequence: missense variant.
Genome position (GRCh38, 1-based): chr2:239,134,290, T>C on the plus strand (A>G on the coding strand, the complement: HDAC4 is on the minus strand). VCF-style: chr2-239134290-T-C. GRCh37 (hg19) VCF-style: chr2-240055986-T-C.
Other names: c.1249A>G, p.Met417Val (NM_001378415.1, NM_001378416.1, NM_001378417.1 and 1 more transcripts); short protein forms M417V.
Identifiers: ClinVar variation 2090073 (VCV002090073.4), dbSNP rs1174965578, ClinGen allele CA351269719.